The following is an entry in ClinVar:

ClinVar aggregate classification (germline): Uncertain significance (1 of 4 stars; one submission).

Submission:

Labcorp Genetics (formerly Invitae), Labcorp
Classification: Uncertain significance. Last evaluated: 2024-07-09. Review status: criteria provided, single submitter. Criteria: Invitae Variant Classification Sherloc (09022015). Collection method: clinical testing. Allele origin: germline.
Comment: This sequence change replaces threonine, which is neutral and polar, with arginine, which is basic and polar, at codon 1875 of the POLE protein (p.Thr1875Arg). This variant is not present in population databases (gnomAD no frequency). This variant has not been reported in the literature in individuals affected with POLE-related conditions. Advanced modeling of protein sequence and biophysical properties (such as structural, functional, and spatial information, amino acid conservation, physicochemical variation, residue mobility, and thermodynamic stability) performed at Invitae indicates that this missense variant is expected to disrupt POLE protein function with a positive predictive value of 80%. In summary, the available evidence is currently insufficient to determine the role of this variant in disease. Therefore, it has been classified as a Variant of Uncertain Significance.

NM_006231.4(POLE):c.5624C>G (p.Thr1875Arg)

Gene: POLE (DNA polymerase epsilon, catalytic subunit; minus strand). Cytogenetic location: 12q24.33.
Variant type: single nucleotide variant.
Coding change: c.5624C>G on transcript NM_006231.4 (MANE Select); coding-DNA position 5624, C replaced by G.
Protein change: p.Thr1875Arg; replaces threonine 1875 with arginine.
Molecular consequence: missense variant.
Genome position (GRCh38, 1-based): chr12:132,638,068, G>C on the plus strand (C>G on the coding strand, the complement: POLE is on the minus strand). VCF-style: chr12-132638068-G-C. GRCh37 (hg19) VCF-style: chr12-133214654-G-C.
Other names: short protein forms T1875R.
Identifiers: ClinVar variation 3017226 (VCV003017226.3), dbSNP rs2042069830, ClinGen allele CA387374072.